The following is an entry in ClinVar:

NM_000038.6(APC):c.7849G>C (p.Glu2617Gln)

Gene: APC (APC regulator of Wnt signaling pathway; plus strand). Cytogenetic location: 5q22.2.
Variant type: single nucleotide variant.
Coding change: c.7849G>C on transcript NM_000038.6 (MANE Select); coding-DNA position 7849, G replaced by C.
Protein change: p.Glu2617Gln; replaces glutamic acid 2617 with glutamine.
Molecular consequence: missense variant.
Genome position (GRCh38, 1-based): chr5:112,843,443, G>C. VCF-style: chr5-112843443-G-C. GRCh37 (hg19) VCF-style: chr5-112179140-G-C.
Other names: c.7849G>C, p.Glu2617Gln (NM_001127510.3, NM_001354895.2); c.7795G>C, p.Glu2599Gln (NM_001127511.3); c.7903G>C, p.Glu2635Gln (NM_001354896.2); c.7879G>C, p.Glu2627Gln (NM_001354897.2); c.7774G>C, p.Glu2592Gln (NM_001354898.2); c.7765G>C, p.Glu2589Gln (NM_001354899.2); c.7726G>C, p.Glu2576Gln (NM_001354900.2); c.7672G>C, p.Glu2558Gln (NM_001354901.2); and 5 more; short protein forms E2334Q, E2457Q, E2526Q, E2576Q, E2589Q, E2592Q, E2617Q, E2627Q.
Identifiers: ClinVar variation 654951 (VCV000654951.11), dbSNP rs1580687234, ClinGen allele CA16038386.

ClinVar aggregate classification (germline): Uncertain significance. Review status: criteria provided, multiple submitters, no conflicts (2 of 4 stars). 2 submissions from 2 submitters: Uncertain significance (2). Last evaluated 2023-12-26.

Conditions:
Hereditary cancer-predisposing syndrome. Also called: Hereditary neoplastic syndrome; Tumor predisposition; Neoplastic Syndromes, Hereditary; Hereditary Cancer Syndrome. Identifiers: Orphanet 140162, MedGen C0027672, MeSH D009386, MONDO:0015356.
Familial adenomatous polyposis 1 (FAP1). Also called: FAMILIAL ADENOMATOUS POLYPOSIS 1, ATTENUATED; POLYPOSIS, ADENOMATOUS INTESTINAL. Identifiers: MedGen C2713442, MONDO:0021056, OMIM 175100. Disease mechanism: loss of function.

Submissions (2):

Ambry Genetics
Classification: Uncertain significance for Hereditary cancer-predisposing syndrome. Last evaluated: 2023-12-26. Review status: criteria provided, single submitter. Criteria: Ambry Variant Classification Scheme 2023. Collection method: clinical testing. Allele origin: germline.
Comment: The p.E2617Q variant (also known as c.7849G>C), located in coding exon 15 of the APC gene, results from a G to C substitution at nucleotide position 7849. The glutamic acid at codon 2617 is replaced by glutamine, an amino acid with highly similar properties. This amino acid position is conserved. In addition, in silico predictors for this gene do not accurately predict pathogenicity. Since supporting evidence is limited at this time, the clinical significance of this alteration remains unclear.

Labcorp Genetics (formerly Invitae), Labcorp
Classification: Uncertain significance for Familial adenomatous polyposis 1. Last evaluated: 2018-12-24. Review status: criteria provided, single submitter. Criteria: Invitae Variant Classification Sherloc (09022015). Collection method: clinical testing. Allele origin: germline.
Comment: This sequence change replaces glutamic acid with glutamine at codon 2617 of the APC protein (p.Glu2617Gln). The glutamic acid residue is highly conserved and there is a small physicochemical difference between glutamic acid and glutamine. This variant is not present in population databases (ExAC no frequency). This variant has not been reported in the literature in individuals with APC-related conditions. Algorithms developed to predict the effect of missense changes on protein structure and function are either unavailable or do not agree on the potential impact of this missense change (SIFT: "Deleterious"; PolyPhen-2: "Possibly Damaging"; Align-GVGD: "Class C0"). In summary, the available evidence is currently insufficient to determine the role of this variant in disease. Therefore, it has been classified as a Variant of Uncertain Significance.